The following is an entry in ClinVar:

ClinVar aggregate classification (germline): Conflicting classifications of pathogenicity. Review status: criteria provided, conflicting classifications (1 of 4 stars). 2 submissions from 2 submitters: Uncertain significance (1); Likely benign (1). Last evaluated 2025-10-20.

gnomAD v4.1: 28 of 1,567,554 alleles (0.0018%); highest among the groups gnomAD compares: South Asian, 0.0035%; no homozygotes.

Submissions (2):

Women's Health and Genetics/Laboratory Corporation of America, LabCorp
Classification: Uncertain significance. Last evaluated: 2025-10-20. Review status: criteria provided, single submitter. Criteria: LabCorp Variant Classification Summary - May 2015. Collection method: clinical testing. Allele origin: germline.
Comment: Variant summary: NACC1 c.-7C>T is located in the untranslated mRNA region upstream of the initiation codon. The variant allele was found at a frequency of 2.7e-05 in 218724 control chromosomes. The available data on variant occurrences in the general population are insufficient to allow any conclusion about variant significance. To our knowledge, no occurrence of c.-7C>T in individuals affected with NACC1-related conditions and no experimental evidence demonstrating its impact on protein function have been reported. No submitters have cited clinical-significance assessments for this variant to ClinVar. Based on the evidence outlined above, the variant was classified as uncertain significance.

Blueprint Genetics
Classification: Likely benign. Last evaluated: 2024-04-25. Review status: criteria provided, single submitter. Criteria: ACMG Guidelines, 2015. Collection method: clinical testing. Allele origin: germline.

NM_052876.4(NACC1):c.-7C>T

Gene: NACC1 (nucleus accumbens associated 1; plus strand). Cytogenetic location: 19p13.13.
Variant type: single nucleotide variant.
Coding change: c.-7C>T on transcript NM_052876.4 (MANE Select); 7 bases upstream of the start codon, C replaced by T.
Molecular consequence: 5 prime UTR variant.
Genome position (GRCh38, 1-based): chr19:13,135,201, C>T. VCF-style: chr19-13135201-C-T. GRCh37 (hg19) VCF-style: chr19-13246015-C-T.
Identifiers: ClinVar variation 4687171 (VCV004687171.2).